The following is an entry in ClinVar:

NM_003579.4(RAD54L):c.14T>C (p.Leu5Ser)

Gene: RAD54L (RAD54 like; plus strand). Cytogenetic location: 1p34.1.
Variant type: single nucleotide variant.
Coding change: c.14T>C on transcript NM_003579.4 (MANE Select); coding-DNA position 14, T replaced by C.
Protein change: p.Leu5Ser; replaces leucine 5 with serine.
Molecular consequence: missense variant. On other transcripts: 5 prime UTR variant (1).
Genome position (GRCh38, 1-based): chr1:46,248,522, T>C. VCF-style: chr1-46248522-T-C. GRCh37 (hg19) VCF-style: chr1-46714194-T-C.
Other names: c.14T>C, p.Leu5Ser (NM_001142548.2); c.-527T>C (NM_001370766.1); short protein forms L5S.
Identifiers: ClinVar variation 1773987 (VCV001773987.3), dbSNP rs2525626495, ClinGen allele CA340173878.

ClinVar aggregate classification (germline): Uncertain significance (1 of 4 stars; one submission).

Allele frequency attached by ClinVar (database versions not stated): gnomAD exomes below 0.00001.
gnomAD v4.1: 2 of 1,614,130 alleles (0.00012%); highest among the groups gnomAD compares: Non-Finnish European, 0.00017%; no homozygotes.

Submission:

Ambry Genetics
Classification: Uncertain significance. Last evaluated: 2024-06-19. Review status: criteria provided, single submitter. Criteria: Ambry Variant Classification Scheme 2023. Collection method: clinical testing. Allele origin: germline.
Comment: The p.L5S variant (also known as c.14T>C), located in coding exon 2 of the RAD54L gene, results from a T to C substitution at nucleotide position 14. The leucine at codon 5 is replaced by serine, an amino acid with dissimilar properties. This amino acid position is conserved. In addition, the in silico prediction for this alteration is inconclusive. Since supporting evidence is limited at this time, the clinical significance of this alteration remains unclear.